The following is an entry in ClinVar:

ClinVar aggregate classification (germline): Uncertain significance (1 of 4 stars; one submission).

Submission:

Labcorp Genetics (formerly Invitae), Labcorp
Classification: Uncertain significance. Last evaluated: 2021-10-20. Review status: criteria provided, single submitter. Criteria: Invitae Variant Classification Sherloc (09022015). Collection method: clinical testing. Allele origin: germline.
Comment: In summary, the available evidence is currently insufficient to determine the role of this variant in disease. Therefore, it has been classified as a Variant of Uncertain Significance. This variant has not been reported in the literature in individuals affected with DTHD1-related conditions. This variant is a gross deletion of the genomic region encompassing exon(s) 6 of the DTHD1 gene. This deletion is out-of-frame, and is expected to create a premature translational stop signal and result in an absent or disrupted protein product. However, the current clinical and genetic evidence is not sufficient to establish whether loss-of-function variants in DTHD1 cause disease.

NC_000004.11:g.(?_36309806)_(36310135_?)del

Gene: DTHD1 (death domain containing 1; plus strand). Cytogenetic location: 4p14.
Variant type: Deletion.
Identifiers: ClinVar variation 2423819 (VCV002423819.4).